The following is an entry in ClinVar:

ClinVar aggregate classification (germline): Conflicting classifications of pathogenicity. Review status: criteria provided, conflicting classifications (1 of 4 stars). 4 submissions from 4 submitters: Uncertain significance (1); Likely benign (2). 1 of the submissions does not count toward it. Last evaluated 2026-01-28.

Conditions:
Inborn genetic diseases. Identifiers: MedGen C0950123, MeSH D030342.
PTPN23-related disorder. Also called: PTPN23-related condition.

Submissions (4):

Labcorp Genetics (formerly Invitae), Labcorp
Classification: Likely benign. Last evaluated: 2026-01-28. Review status: criteria provided, single submitter. Criteria: Invitae Variant Classification Sherloc (09022015). Collection method: clinical testing. Allele origin: germline.

Ambry Genetics
Classification: Likely benign for Inborn genetic diseases. Last evaluated: 2024-10-23. Review status: criteria provided, single submitter. Criteria: Ambry Variant Classification Scheme 2023. Collection method: clinical testing. Allele origin: germline.

GeneDx
Classification: Uncertain significance. Last evaluated: 2023-09-28. Review status: criteria provided, single submitter. Criteria: GeneDx Variant Classification Process June 2021. Collection method: clinical testing. Allele origin: germline. Affected: yes.
Comment: In-frame deletion of two amino acids in a non-repeat region; In silico analysis supports that this variant does not alter protein structure/function; Has not been previously published as pathogenic or benign to our knowledge

PreventionGenetics, part of Exact Sciences
Classification: Likely benign for PTPN23-related condition. Last evaluated: 2022-04-28. Review status: no assertion criteria provided. Collection method: clinical testing. Allele origin: germline. Not counted in ClinVar's aggregate classification.
Comment: This variant is classified as likely benign based on ACMG/AMP sequence variant interpretation guidelines (Richards et al. 2015 PMID: 25741868, with internal and published modifications).

NM_015466.4(PTPN23):c.2856GCCCCA[2] (p.954QP[1])

Gene: PTPN23 (protein tyrosine phosphatase non-receptor type 23; plus strand). Cytogenetic location: 3p21.31.
Variant type: Microsatellite.
Coding change: c.2856GCCCCA[2] on transcript NM_015466.4 (MANE Select); two copies in a row of the 6-base unit GCCCCA starting at c.2856; the reference has three copies in a row; one copy, 6 bases deleted; also written c.2868_2873del.
Protein change: p.954QP[1].
Molecular consequence: inframe deletion.
Genome position (GRCh38, 1-based): chr3:47,410,666-47,410,671, GCCCCA deleted; deleting any 6 consecutive bases within chr3:47,410,654-47,410,671 gives the same sequence; the position shown is the placement nearest the transcript's 3' end. VCF-style (leftmost placement, unchanged base first): chr3-47410653-GGCCCCA-G. GRCh37 (hg19) VCF-style: chr3-47452143-GGCCCCA-G.
Other names: c.2478GCCCCA[2], p.828QP[1] (NM_001304482.2); c.2868_2873delGCCCCA (NM_015466.2); c.2868_2873del (NM_015466.2); c.2868_2873del6 (NM_015466.3).
Identifiers: ClinVar variation 1563612 (VCV001563612.11), dbSNP rs552397269, ClinGen allele CA2366136.
Genomic context (GRCh38, chr3:47,410,653, plus strand): 5'-TCCCGGCACAGCACCACTTCTCTTCTGGGATCCCCGCAGGTTTTCCAGCCCCAAGGATTG[GGCCCCA>G]GCCCCAGCCCCATCCTCAGCCCCATCCTTCACAAGCGTTTGGGCCTCAGCCCCCACAGCA-3'